The following is an entry in ClinVar:

NM_017775.4(TTC19):c.424-1G>A

Gene: TTC19 (tetratricopeptide repeat domain 19; plus strand). Cytogenetic location: 17p12.
Variant type: single nucleotide variant.
Coding change: c.424-1G>A on transcript NM_017775.4 (MANE Select); the canonical splice acceptor site of the intron before coding-DNA position 424, G replaced by A.
Molecular consequence: splice acceptor variant.
Genome position (GRCh38, 1-based): chr17:16,002,792, G>A. VCF-style: chr17-16002792-G-A. GRCh37 (hg19) VCF-style: chr17-15906106-G-A.
Other names: c.103-1G>A (NM_001271420.2).
Identifiers: ClinVar variation 2172325 (VCV002172325.4), dbSNP rs779925213, ClinGen allele CA288188390.
Genomic context (GRCh38, chr17:16,002,792, plus strand): 5'-TTTTGAAATAAGTAGGAACACAGTATTCTAAACTGAAAAACAATTTGTAATTTGCTTTCA[G>A]ATGGCCAACTTAGCATTTATACGGGGTCAGCTTGAAAATGTAAGTAAATTGCTTTGTAAT-3'

ClinVar aggregate classification (germline): Likely pathogenic (1 of 4 stars; one submission).

Allele frequency attached by ClinVar (database versions not stated): gnomAD 0.00001.
gnomAD v4.1: 2 of 1,613,914 alleles (0.00012%); highest among the groups gnomAD compares: East Asian, 0.0022%; no homozygotes.

Submission:

Labcorp Genetics (formerly Invitae), Labcorp
Classification: Likely pathogenic. Last evaluated: 2022-05-05. Review status: criteria provided, single submitter. Criteria: Invitae Variant Classification Sherloc (09022015). Collection method: clinical testing. Allele origin: germline.
Comment: This sequence change affects an acceptor splice site in intron 3 of the TTC19 gene. It is expected to disrupt RNA splicing. Variants that disrupt the donor or acceptor splice site typically lead to a loss of protein function (PMID: 16199547), and loss-of-function variants in TTC19 are known to be pathogenic (PMID: 21278747, 24368687). This variant has not been reported in the literature in individuals affected with TTC19-related conditions. In summary, the currently available evidence indicates that the variant is pathogenic, but additional data are needed to prove that conclusively. Therefore, this variant has been classified as Likely Pathogenic. Algorithms developed to predict the effect of sequence changes on RNA splicing suggest that this variant may disrupt the consensus splice site. The frequency data for this variant in the population databases is considered unreliable, as metrics indicate poor data quality at this position in the gnomAD database.

Literature cited by the submitters: PubMed 16199547; PubMed 21278747; PubMed 24368687.